The following is an entry in ClinVar:

ClinVar aggregate classification (germline): Uncertain significance (1 of 4 stars; one submission).

Submission:

GeneDx
Classification: Uncertain significance. Last evaluated: 2024-06-20. Review status: criteria provided, single submitter. Criteria: GeneDx Variant Classification Process June 2021. Collection method: clinical testing. Allele origin: germline. Affected: yes.
Comment: Not observed at significant frequency in large population cohorts (gnomAD); Frameshift variant predicted to result in protein truncation or nonsense mediated decay in a gene or region of a gene for which loss of function is not a well-established mechanism of disease; Has not been previously published as pathogenic or benign to our knowledge

NM_005754.3(G3BP1):c.925_926del (p.Asn309fs)

Gene: G3BP1 (G3BP stress granule assembly factor 1; plus strand). Cytogenetic location: 5q33.1.
Variant type: Deletion.
Coding change: c.925_926del on transcript NM_005754.3 (MANE Select); coding-DNA positions 925 to 926, 2 bases deleted (AA; older notation c.925_926delAA).
Protein change: p.Asn309fs; shifts the reading frame from asparagine 309.
Molecular consequence: frameshift variant.
Genome position (GRCh38, 1-based): chr5:151,799,970-151,799,971, AA deleted; deleting any 2 consecutive bases within chr5:151,799,969-151,799,971 gives the same sequence; the c. name uses the placement nearest the transcript's 3' end. VCF-style (leftmost placement, unchanged base first): chr5-151799968-TAA-T. GRCh37 (hg19) VCF-style: chr5-151179529-TAA-T.
Other names: c.925_926del, p.Asn309fs (NM_198395.2); short protein forms N309fs.
Identifiers: ClinVar variation 3391669 (VCV003391669.1).